The following is an entry in ClinVar:

ClinVar aggregate classification (germline): Uncertain significance (1 of 4 stars; one submission).

Conditions:
Nemaline myopathy 8 (NEM8). Also called: Nemaline myopathy 8, autosomal recessive. Identifiers: Orphanet 171430, MedGen C3809209, MONDO:0014138, OMIM 615348.

gnomAD v4.1: 1 of 1,613,258 alleles (0.000062%); highest among the groups gnomAD compares: Non-Finnish European, 0.000085%; no homozygotes.

Submission:

Labcorp Genetics (formerly Invitae), Labcorp
Classification: Uncertain significance for Nemaline myopathy 8. Last evaluated: 2020-01-15. Review status: criteria provided, single submitter. Criteria: Invitae Variant Classification Sherloc (09022015). Collection method: clinical testing. Allele origin: germline.
Comment: In summary, the available evidence is currently insufficient to determine the role of this variant in disease. Therefore, it has been classified as a Variant of Uncertain Significance. Algorithms developed to predict the effect of missense changes on protein structure and function (SIFT, PolyPhen-2, Align-GVGD) all suggest that this variant is likely to be tolerated, but these predictions have not been confirmed by published functional studies and their clinical significance is uncertain. This variant has not been reported in the literature in individuals with KLHL40-related conditions. This variant is not present in population databases (ExAC no frequency). This sequence change replaces leucine with arginine at codon 251 of the KLHL40 protein (p.Leu251Arg). The leucine residue is highly conserved and there is a moderate physicochemical difference between leucine and arginine.

NM_152393.4(KLHL40):c.752T>G (p.Leu251Arg)

Gene: KLHL40 (kelch like family member 40; plus strand). Cytogenetic location: 3p22.1.
Variant type: single nucleotide variant.
Coding change: c.752T>G on transcript NM_152393.4 (MANE Select); coding-DNA position 752, T replaced by G.
Protein change: p.Leu251Arg; replaces leucine 251 with arginine.
Molecular consequence: missense variant.
Genome position (GRCh38, 1-based): chr3:42,686,370, T>G. VCF-style: chr3-42686370-T-G. GRCh37 (hg19) VCF-style: chr3-42727862-T-G.
Other names: short protein forms L251R.
Identifiers: ClinVar variation 1019483 (VCV001019483.5), dbSNP rs928500134, ClinGen allele CA352290785.